The following is an entry in ClinVar:

NM_000096.4(CP):c.1174A>T (p.Ile392Phe)

Gene: CP (ceruloplasmin; minus strand). Cytogenetic location: 3q25.1.
Variant type: single nucleotide variant.
Coding change: c.1174A>T on transcript NM_000096.4 (MANE Select); coding-DNA position 1174, A replaced by T.
Protein change: p.Ile392Phe; replaces isoleucine 392 with phenylalanine.
Molecular consequence: missense variant. On other transcripts: non-coding transcript variant (1).
Genome position (GRCh38, 1-based): chr3:149,206,202, T>A on the plus strand (A>T on the coding strand, the complement: CP is on the minus strand). VCF-style: chr3-149206202-T-A. GRCh37 (hg19) VCF-style: chr3-148923989-T-A.
Other names: p.Ile392Phe; short protein forms I392F.
Identifiers: ClinVar variation 3379506 (VCV003379506.2).

ClinVar aggregate classification (germline): Uncertain significance. Review status: criteria provided, multiple submitters, no conflicts (2 of 4 stars). 2 submissions from 2 submitters: Uncertain significance (2). Last evaluated 2025-06-22.

Conditions:
Deficiency of ferroxidase (ACEP). Also called: Deficiency of ceruloplasmin; Aceruloplasminemia; Ceruloplasmin deficiency; Familial apoceruloplasmin deficiency; Hereditary ceruloplasmin deficiency; NEURODEGENERATION WITH BRAIN IRON ACCUMULATION 10. Identifiers: Orphanet 48818, MedGen C0878682, MONDO:0011426, OMIM 604290, HP:0025498.

gnomAD v4.1: 75 of 1,613,888 alleles (0.0046%); highest among the groups gnomAD compares: Non-Finnish European, 0.006%; no homozygotes.

Submissions (2):

Labcorp Genetics (formerly Invitae), Labcorp
Classification: Uncertain significance for Deficiency of ferroxidase. Last evaluated: 2025-06-22. Review status: criteria provided, single submitter. Criteria: Invitae Variant Classification Sherloc (09022015). Collection method: clinical testing. Allele origin: germline.
Comment: This sequence change replaces isoleucine, which is neutral and non-polar, with phenylalanine, which is neutral and non-polar, at codon 392 of the CP protein (p.Ile392Phe). This variant is present in population databases (rs370460129, gnomAD 0.006%). This variant has not been reported in the literature in individuals affected with CP-related conditions. ClinVar contains an entry for this variant (Variation ID: 3379506). Invitae Evidence Modeling of protein sequence and biophysical properties (such as structural, functional, and spatial information, amino acid conservation, physicochemical variation, residue mobility, and thermodynamic stability) indicates that this missense variant is not expected to disrupt CP protein function with a negative predictive value of 80%. In summary, the available evidence is currently insufficient to determine the role of this variant in disease. Therefore, it has been classified as a Variant of Uncertain Significance.

Mayo Clinic Laboratories, Mayo Clinic
Classification: Uncertain significance. Last evaluated: 2024-06-05. Review status: criteria provided, single submitter. Criteria: ACMG Guidelines, 2015. Collection method: clinical testing. Allele origin: germline. Observed: 1 variant allele.

Literature cited by the submitters: PubMed 37024536 (cited by Mayo Clinic Laboratories, Mayo Clinic).